The following is an entry in ClinVar:

ClinVar aggregate classification (germline): Uncertain significance (1 of 4 stars; one submission).

Submission:

Labcorp Genetics (formerly Invitae), Labcorp
Classification: Uncertain significance. Last evaluated: 2023-08-28. Review status: criteria provided, single submitter. Criteria: Invitae Variant Classification Sherloc (09022015). Collection method: clinical testing. Allele origin: germline.
Comment: In summary, the available evidence is currently insufficient to determine the role of this variant in disease. Therefore, it has been classified as a Variant of Uncertain Significance. An algorithm developed to predict the effect of missense changes on protein structure and function (PolyPhen-2) suggests that this variant is likely to be tolerated. This variant has not been reported in the literature in individuals affected with TAOK2-related conditions. This variant is not present in population databases (gnomAD no frequency). This sequence change replaces alanine, which is neutral and non-polar, with threonine, which is neutral and polar, at codon 1164 of the TAOK2 protein (p.Ala1164Thr).

NM_016151.4(TAOK2):c.3490G>A (p.Ala1164Thr)

Gene: TAOK2 (TAO kinase 2; plus strand). Cytogenetic location: 16p11.2.
Variant type: single nucleotide variant.
Coding change: c.3490G>A on transcript NM_016151.4 (MANE Select); coding-DNA position 3490, G replaced by A.
Protein change: p.Ala1164Thr; replaces alanine 1164 with threonine.
Molecular consequence: missense variant. On other transcripts: intron variant (1).
Genome position (GRCh38, 1-based): chr16:29,987,762, G>A. VCF-style: chr16-29987762-G-A. GRCh37 (hg19) VCF-style: chr16-29999083-G-A.
Other names: c.3151G>A, p.Ala1051Thr (NM_001252043.2); c.2232+1258G>A (NM_004783.4); short protein forms A1051T, A1164T.
Identifiers: ClinVar variation 2787961 (VCV002787961.3), dbSNP rs2543673494, ClinGen allele CA395501054.